The following is an entry in ClinVar:

NM_138711.6(PPARG):c.811C>A (p.Gln271Lys)

Gene: PPARG (peroxisome proliferator activated receptor gamma; plus strand). Cytogenetic location: 3p25.2.
Variant type: single nucleotide variant.
Coding change: c.811C>A on transcript NM_138711.6 (MANE Select); coding-DNA position 811, C replaced by A.
Protein change: p.Gln271Lys; replaces glutamine 271 with lysine.
Molecular consequence: missense variant. On other transcripts: intron variant (5).
Genome position (GRCh38, 1-based): chr3:12,416,785, C>A. VCF-style: chr3-12416785-C-A. GRCh37 (hg19) VCF-style: chr3-12458284-C-A.
Other names: c.811C>A, p.Gln271Lys (NM_001354666.3, NM_001354667.3, NM_001374263.2 and 3 more transcripts); c.184C>A, p.Gln62Lys (NM_001354669.2); c.901C>A, p.Gln301Lys (NM_015869.5); c.729+10704C>A (NM_001374261.3, NM_001374262.3, NM_001330615.4); c.653+10786C>A (NM_001374266.1); c.819+10704C>A (NM_001374265.1); short protein forms Q271K, Q62K, Q301K.
Identifiers: ClinVar variation 4765699 (VCV004765699.1).

ClinVar aggregate classification (germline): Uncertain significance (1 of 4 stars; one submission).

gnomAD v4.1: 1 of 1,614,122 alleles (0.000062%); highest among the groups gnomAD compares: Admixed American, 0.0017%; no homozygotes.

Submission:

Labcorp Genetics (formerly Invitae), Labcorp
Classification: Uncertain significance. Last evaluated: 2025-07-01. Review status: criteria provided, single submitter. Criteria: Invitae Variant Classification Sherloc (09022015). Collection method: clinical testing. Allele origin: germline.
Comment: This sequence change replaces glutamine, which is neutral and polar, with lysine, which is basic and polar, at codon 301 of the PPARG protein (p.Gln301Lys). This variant is present in population databases (no rsID available, gnomAD 0.003%). This variant has not been reported in the literature in individuals affected with PPARG-related conditions. Invitae Evidence Modeling of protein sequence and biophysical properties (such as structural, functional, and spatial information, amino acid conservation, physicochemical variation, residue mobility, and thermodynamic stability) indicates that this missense variant is not expected to disrupt PPARG protein function with a negative predictive value of 95%. In summary, the available evidence is currently insufficient to determine the role of this variant in disease. Therefore, it has been classified as a Variant of Uncertain Significance.